The following is an entry in ClinVar:

NM_014339.7(IL17RA):c.551-110C>T

Gene: IL17RA (interleukin 17 receptor A; plus strand). Cytogenetic location: 22q11.1.
Variant type: single nucleotide variant.
Coding change: c.551-110C>T on transcript NM_014339.7 (MANE Select); 110 bases into the intron before coding-DNA position 551, C replaced by T.
Molecular consequence: intron variant.
Genome position (GRCh38, 1-based): chr22:17,101,886, C>T. VCF-style: chr22-17101886-C-T. GRCh37 (hg19) VCF-style: chr22-17582776-C-T.
Other names: c.551-110C>T (NM_001289905.2).
Identifiers: ClinVar variation 2688312 (VCV002688312.2), dbSNP rs17807076, ClinGen allele CA14963320.
Genomic context (GRCh38, chr22:17,101,886, plus strand): 5'-AGGCTGGCACCCATGCCAAGGTGGGTCCAGCCCTGGAGCTCACTCTGAAGGGGCCACCTG[C>T]GGACAGGCTCCCAGTGGGGAAAAGATTGTTGTTCTTGGTGTCAGGAGTCTGGAAGAACAG-3'

ClinVar aggregate classification (germline): Benign (1 of 4 stars; one submission).

Allele frequency attached by ClinVar (database versions not stated): 1000 Genomes Project 30x 0.16896; 1000 Genomes Project 0.17153; TOPMed 0.20818; gnomAD 0.21856; gnomAD exomes 0.26050.
gnomAD v4.1: 353,282 of 1,382,570 alleles (26%); highest among the groups gnomAD compares: Non-Finnish European, 28%; 47,900 homozygotes.

Submission:

Unidad de Genómica Garrahan, Hospital de Pediatría Garrahan
Classification: Benign. Last evaluated: 2024-01-24. Review status: criteria provided, single submitter. Criteria: ACMG Guidelines, 2015. Collection method: clinical testing. Allele origin: germline. Affected: no. Observed: 22 variant alleles.
Comment: This variant is classified as Benign based on local population frequency. This variant was detected in 23% of patients studied by a panel of primary immunodeficiencies. Number of patients: 22. Only high quality variants are reported.